The following is an entry in ClinVar:

NM_001177693.2(ARHGEF28):c.4142G>A (p.Arg1381His)

Gene: ARHGEF28 (Rho guanine nucleotide exchange factor 28; plus strand). Cytogenetic location: 5q13.2.
Variant type: single nucleotide variant.
Coding change: c.4142G>A on transcript NM_001177693.2 (MANE Select); coding-DNA position 4142, G replaced by A.
Protein change: p.Arg1381His; replaces arginine 1381 with histidine.
Molecular consequence: missense variant.
Genome position (GRCh38, 1-based): chr5:73,904,386, G>A. VCF-style: chr5-73904386-G-A. GRCh37 (hg19) VCF-style: chr5-73200211-G-A.
Other names: c.4142G>A, p.Arg1381His (NM_001080479.3, NM_001388078.1); c.3203G>A, p.Arg1068His (NM_001244364.2); c.3848G>A, p.Arg1283His (NM_001388076.1); short protein forms R1068H, R1283H, R1381H.
Identifiers: ClinVar variation 3054159 (VCV003054159.3), dbSNP rs756407883, ClinGen allele CA3305291.

ClinVar aggregate classification (germline): Uncertain significance. Review status: criteria provided, single submitter (1 of 4 stars). 2 submissions from 2 submitters: Uncertain significance (1). 1 of the submissions does not count toward it. Last evaluated 2024-03-15.

Conditions:
ARHGEF28-related disorder. Also called: ARHGEF28-related condition.

Allele frequency attached by ClinVar (database versions not stated): gnomAD 0.00003; gnomAD exomes 0.00004; ExAC 0.00007; TOPMed 0.00009.
gnomAD v4.1: 60 of 1,612,108 alleles (0.0037%); highest among the groups gnomAD compares: African/African-American, 0.013%; no homozygotes.

Submissions (2):

Ambry Genetics
Classification: Uncertain significance. Last evaluated: 2024-03-15. Review status: criteria provided, single submitter. Criteria: Ambry Variant Classification Scheme 2023. Collection method: clinical testing. Allele origin: germline.

PreventionGenetics, part of Exact Sciences
Classification: Uncertain significance for ARHGEF28-related condition. Last evaluated: 2023-12-18. Review status: no assertion criteria provided. Collection method: clinical testing. Allele origin: germline. Not counted in ClinVar's aggregate classification.
Comment: The ARHGEF28 c.4142G>A variant is predicted to result in the amino acid substitution p.Arg1381His. To our knowledge, this variant has not been reported in the literature. This variant is reported in 0.013% of alleles in individuals of South Asian descent in gnomAD. At this time, the clinical significance of this variant is uncertain due to the absence of conclusive functional and genetic evidence.